The following is an entry in ClinVar:

NM_006904.7(PRKDC):c.7952-6_7952-5delinsAT

Gene: PRKDC (protein kinase, DNA-activated, catalytic subunit; minus strand). Cytogenetic location: 8q11.21.
Variant type: Indel.
Coding change: c.7952-6_7952-5delinsAT on transcript NM_006904.7 (MANE Select); 6 bases into the intron before coding-DNA position 7952 through 5 bases into the intron before coding-DNA position 7952, TC replaced by AT.
Molecular consequence: intron variant.
Genome position (GRCh38, 1-based): chr8:47,834,401-47,834,402, GA replaced by AT on the plus strand (TC replaced by AT on the coding strand, the reverse complement: PRKDC is on the minus strand). VCF-style: chr8-47834401-GA-AT. GRCh37 (hg19) VCF-style: chr8-48746962-GA-AT.
Other names: c.7952-6_7952-5delinsAT (NM_001081640.2).
Identifiers: ClinVar variation 2023412 (VCV002023412.4), dbSNP rs2551867100, ClinGen allele CA2580078345.

ClinVar aggregate classification (germline): Uncertain significance (1 of 4 stars; one submission).

Conditions:
Severe combined immunodeficiency due to DNA-PKcs deficiency. Also called: IMMUNODEFICIENCY 26 WITH NEUROLOGIC ABNORMALITIES; Immunodeficiency 26 with or without neurologic abnormalities. Identifiers: Orphanet 317425, MedGen C4014833, MONDO:0014423, OMIM 615966.

Submission:

Labcorp Genetics (formerly Invitae), Labcorp
Classification: Uncertain significance for Severe combined immunodeficiency due to DNA-PKcs deficiency. Last evaluated: 2022-08-10. Review status: criteria provided, single submitter. Criteria: Invitae Variant Classification Sherloc (09022015). Collection method: clinical testing. Allele origin: germline.
Comment: In summary, the available evidence is currently insufficient to determine the role of this variant in disease. Therefore, it has been classified as a Variant of Uncertain Significance. Experimental studies and prediction algorithms are not available or were not evaluated, and the effect of this variant on mRNA splicing is currently unknown. This variant has not been reported in the literature in individuals affected with PRKDC-related conditions. Information on the frequency of this variant in the gnomAD database is not available, as this variant may be reported differently in the database. This sequence change falls in intron 58 of the PRKDC gene. It does not directly change the encoded amino acid sequence of the PRKDC protein.